The following is an entry in ClinVar:

ClinVar aggregate classification (germline): Pathogenic (1 of 4 stars; one submission).

Conditions:
Severe myoclonic epilepsy in infancy (DRVT). Also called: Dravet syndrome; SEVERE MYOCLONIC EPILEPSY OF INFANCY; Epileptic encephalopathy, early infantile, 6 (Dravet syndrome); DEVELOPMENTAL AND EPILEPTIC ENCEPHALOPATHY 6A; Severe Myoclonic Epilepsy in Infancy (SMEI). Identifiers: Orphanet 33069, MedGen C0751122, MONDO:0100135, OMIM 607208.

Submission:

Institute of Human Genetics, University of Leipzig Medical Center
Classification: Pathogenic for Severe myoclonic epilepsy in infancy. Last evaluated: 2022-07-18. Review status: criteria provided, single submitter. Criteria: ACMG Guidelines, 2015. Collection method: clinical testing. Allele origin: unknown. Affected: yes.
Comment: _x000D_ Criteria applied: PM5_STR, PS2_MOD, PM1, PS4_SUP, PM2_SUP, PP3

NM_001165963.4(SCN1A):c.4318G>A (p.Ala1440Thr)

Genes: SCN1A (sodium voltage-gated channel alpha subunit 1; minus strand), LOC102724058 (uncharacterized LOC102724058; plus strand). Cytogenetic location: 2q24.3.
Variant type: single nucleotide variant.
Coding change: c.4318G>A on transcript NM_001165963.4 (MANE Select); coding-DNA position 4318, G replaced by A.
Protein change: p.Ala1440Thr; replaces alanine 1440 with threonine.
Molecular consequence: missense variant. On other transcripts: non-coding transcript variant (1).
Genome position (GRCh38, 1-based): chr2:165,999,743, C>T on the plus strand (G>A on the coding strand, the complement: SCN1A is on the minus strand). VCF-style: chr2-165999743-C-T. GRCh37 (hg19) VCF-style: chr2-166856253-C-T.
Other names: c.4234G>A, p.Ala1412Thr (NM_001165964.3, NM_001353957.2, NM_001353958.2); c.4318G>A, p.Ala1440Thr (NM_001202435.3, NM_001353948.2); c.4285G>A, p.Ala1429Thr (NM_001353949.2, NM_001353950.2, NM_001353951.2 and 2 more transcripts); c.4282G>A, p.Ala1428Thr (NM_001353954.2, NM_001353955.2); c.4231G>A, p.Ala1411Thr (NM_001353960.2); c.1876G>A, p.Ala626Thr (NM_001353961.2); short protein forms A1411T, A1412T, A1428T, A1429T, A1440T, A626T.
Identifiers: ClinVar variation 1697316 (VCV001697316.1), dbSNP rs2105486716, ClinGen allele CA349049570.